The following is an entry in ClinVar:

ClinVar aggregate classification (germline): Uncertain significance. Review status: criteria provided, multiple submitters, no conflicts (2 of 4 stars). 2 submissions from 2 submitters: Uncertain significance (2). Last evaluated 2025-06-19.

Conditions:
Inborn genetic diseases. Identifiers: MedGen C0950123, MeSH D030342.
Hereditary spastic paraplegia 11. Also called: SPASTIC PARAPLEGIA, AUTOSOMAL RECESSIVE, COMPLICATED, WITH THIN CORPUS CALLOSUM; SPASTIC PARAPLEGIA, AUTOSOMAL RECESSIVE, WITH MENTAL IMPAIRMENT AND THIN CORPUS CALLOSUM; Nakamura Osame syndrome; Autosomal recessive hereditary spastic paraplegia, mental impairment, and thin corpus callosum; Spastic paraplegia, mental retardation and thin corpus callosum; Spastic Paraplegia 11. Identifiers: Orphanet 2822, MedGen C1858479, MONDO:0011445, OMIM 604360.

Allele frequency attached by ClinVar (database versions not stated): gnomAD 0.00001; gnomAD exomes 0.00001; TOPMed 0.00001.
gnomAD v4.1: 15 of 1,613,926 alleles (0.00093%); highest among the groups gnomAD compares: Admixed American, 0.0033%; no homozygotes.

Submissions (2):

Ambry Genetics
Classification: Uncertain significance for Inborn genetic diseases. Last evaluated: 2025-06-19. Review status: criteria provided, single submitter. Criteria: Ambry Variant Classification Scheme 2023. Collection method: clinical testing. Allele origin: germline.

Labcorp Genetics (formerly Invitae), Labcorp
Classification: Uncertain significance for Hereditary spastic paraplegia 11. Last evaluated: 2022-03-15. Review status: criteria provided, single submitter. Criteria: Invitae Variant Classification Sherloc (09022015). Collection method: clinical testing. Allele origin: germline.
Comment: This sequence change replaces asparagine, which is neutral and polar, with serine, which is neutral and polar, at codon 1382 of the SPG11 protein (p.Asn1382Ser). This variant is present in population databases (rs544040175, gnomAD 0.006%). This variant has not been reported in the literature in individuals affected with SPG11-related conditions. Algorithms developed to predict the effect of missense changes on protein structure and function output the following: SIFT: "Tolerated"; PolyPhen-2: "Benign"; Align-GVGD: "Class C0". The serine amino acid residue is found in multiple mammalian species, which suggests that this missense change does not adversely affect protein function. In summary, the available evidence is currently insufficient to determine the role of this variant in disease. Therefore, it has been classified as a Variant of Uncertain Significance.

NM_025137.4(SPG11):c.4145A>G (p.Asn1382Ser)

Gene: SPG11 (SPG11 vesicle trafficking associated, spatacsin; minus strand). Cytogenetic location: 15q21.1.
Variant type: single nucleotide variant.
Coding change: c.4145A>G on transcript NM_025137.4 (MANE Select); coding-DNA position 4145, A replaced by G.
Protein change: p.Asn1382Ser; replaces asparagine 1382 with serine.
Molecular consequence: missense variant.
Genome position (GRCh38, 1-based): chr15:44,596,800, T>C on the plus strand (A>G on the coding strand, the complement: SPG11 is on the minus strand). VCF-style: chr15-44596800-T-C. GRCh37 (hg19) VCF-style: chr15-44888998-T-C.
Other names: c.4145A>G (NM_025137.3); c.4145A>G, p.Asn1382Ser (NM_001160227.2); short protein forms N1382S.
Identifiers: ClinVar variation 1416101 (VCV001416101.6), dbSNP rs544040175, ClinGen allele CA270091894.